The following is an entry in ClinVar:

ClinVar aggregate classification (germline): Uncertain significance (1 of 4 stars; one submission).

Allele frequency attached by ClinVar (database versions not stated): ExAC 0.00001; gnomAD 0.00004; TOPMed 0.00004.
gnomAD v4.1: 6 of 1,614,028 alleles (0.00037%); highest among the groups gnomAD compares: African/African-American, 0.008%; no homozygotes.

Submission:

Labcorp Genetics (formerly Invitae), Labcorp
Classification: Uncertain significance. Last evaluated: 2022-08-31. Review status: criteria provided, single submitter. Criteria: Invitae Variant Classification Sherloc (09022015). Collection method: clinical testing. Allele origin: germline.
Comment: This sequence change replaces glycine, which is neutral and non-polar, with serine, which is neutral and polar, at codon 465 of the VCAN protein (p.Gly465Ser). This variant is present in population databases (rs771521134, gnomAD 0.01%). This variant has not been reported in the literature in individuals affected with VCAN-related conditions. Algorithms developed to predict the effect of missense changes on protein structure and function (SIFT, PolyPhen-2, Align-GVGD) all suggest that this variant is likely to be tolerated. In summary, the available evidence is currently insufficient to determine the role of this variant in disease. Therefore, it has been classified as a Variant of Uncertain Significance.

NM_004385.5(VCAN):c.1393G>A (p.Gly465Ser)

Gene: VCAN (versican; plus strand). Cytogenetic location: 5q14.3.
Variant type: single nucleotide variant.
Coding change: c.1393G>A on transcript NM_004385.5 (MANE Select); coding-DNA position 1393, G replaced by A.
Protein change: p.Gly465Ser; replaces glycine 465 with serine.
Molecular consequence: missense variant. On other transcripts: intron variant (2).
Genome position (GRCh38, 1-based): chr5:83,519,699, G>A. VCF-style: chr5-83519699-G-A. GRCh37 (hg19) VCF-style: chr5-82815518-G-A.
Other names: c.1393G>A, p.Gly465Ser (NM_001164098.2); c.1042+7303G>A (NM_001164097.2, NM_001126336.3); short protein forms G465S.
Identifiers: ClinVar variation 2114303 (VCV002114303.4), dbSNP rs771521134, ClinGen allele CA3332662.